The following is an entry in ClinVar:

ClinVar aggregate classification (germline): Uncertain significance (1 of 4 stars; one submission).

Conditions:
Epileptic encephalopathy. Identifiers: MedGen C0543888, HP:0200134.

gnomAD v4.1: 5 of 1,601,170 alleles (0.00031%); highest among the groups gnomAD compares: African/African-American, 0.0013%; no homozygotes.

Submission:

Labcorp Genetics (formerly Invitae), Labcorp
Classification: Uncertain significance for Epileptic encephalopathy. Last evaluated: 2025-02-10. Review status: criteria provided, single submitter. Criteria: Invitae Variant Classification Sherloc (09022015). Collection method: clinical testing. Allele origin: germline.
Comment: This sequence change replaces alanine, which is neutral and non-polar, with serine, which is neutral and polar, at codon 487 of the FASN protein (p.Ala487Ser). This variant is not present in population databases (gnomAD no frequency). This variant has not been reported in the literature in individuals affected with FASN-related conditions. ClinVar contains an entry for this variant (Variation ID: 1949584). An algorithm developed to predict the effect of missense changes on protein structure and function outputs the following: PolyPhen-2: "Benign". The serine amino acid residue is found in multiple mammalian species, which suggests that this missense change does not adversely affect protein function. In summary, the available evidence is currently insufficient to determine the role of this variant in disease. Therefore, it has been classified as a Variant of Uncertain Significance.

NM_004104.5(FASN):c.1459G>T (p.Ala487Ser)

Gene: FASN (fatty acid synthase; minus strand). Cytogenetic location: 17q25.3.
Variant type: single nucleotide variant.
Coding change: c.1459G>T on transcript NM_004104.5 (MANE Select); coding-DNA position 1459, G replaced by T.
Protein change: p.Ala487Ser; replaces alanine 487 with serine.
Molecular consequence: missense variant.
Genome position (GRCh38, 1-based): chr17:82,091,255, C>A on the plus strand (G>T on the coding strand, the complement: FASN is on the minus strand). VCF-style: chr17-82091255-C-A. GRCh37 (hg19) VCF-style: chr17-80049131-C-A.
Other names: short protein forms A487S.
Identifiers: ClinVar variation 1949584 (VCV001949584.5), dbSNP rs372434423, ClinGen allele CA401560413.